The following is an entry in ClinVar:

NM_002911.4(UPF1):c.1503G>A (p.Thr501=)

Gene: UPF1 (UPF1 RNA helicase and ATPase; plus strand). Cytogenetic location: 19p13.11.
Variant type: single nucleotide variant.
Coding change: c.1503G>A on transcript NM_002911.4 (MANE Select); coding-DNA position 1503, G replaced by A.
Protein change: p.Thr501=; no amino-acid change (threonine 501 retained).
Molecular consequence: synonymous variant.
Genome position (GRCh38, 1-based): chr19:18,855,201, G>A. VCF-style: chr19-18855201-G-A. GRCh37 (hg19) VCF-style: chr19-18966010-G-A.
Other names: c.1536G>A, p.Thr512= (NM_001297549.2).
Identifiers: ClinVar variation 2649597 (VCV002649597.25), dbSNP rs761195343, ClinGen allele CA9317320.

ClinVar aggregate classification (germline): Likely benign. Review status: criteria provided, multiple submitters, no conflicts (2 of 4 stars). 2 submissions from 2 submitters: Likely benign (2). Last evaluated 2024-06-17.

Allele frequency attached by ClinVar (database versions not stated): gnomAD 0.00001; gnomAD exomes 0.00001; TOPMed 0.00002; ExAC 0.00005.
gnomAD v4.1: 19 of 1,612,958 alleles (0.0012%); highest among the groups gnomAD compares: East Asian, 0.027%; no homozygotes.

Submissions (2):

Blueprint Genetics
Classification: Likely benign. Last evaluated: 2024-06-17. Review status: criteria provided, single submitter. Criteria: ACMG Guidelines, 2015. Collection method: clinical testing. Allele origin: germline.

CeGaT Center for Human Genetics Tuebingen
Classification: Likely benign. Last evaluated: 2023-04-01. Review status: criteria provided, single submitter. Criteria: CeGaT Center For Human Genetics Tuebingen Variant Classification Criteria Version 2. Collection method: clinical testing. Allele origin: germline. Affected: yes. Observed: 1 variant allele.
Comment: UPF1: BP4, BP7